The following is an entry in ClinVar:

ClinVar aggregate classification (germline): Uncertain significance (1 of 4 stars; one submission).

Conditions:
Loeys-Dietz syndrome 4 (LDS4). Also called: TGFB2-Related Loeys-Dietz Syndrome; ANEURYSM, AORTIC AND CEREBRAL, WITH ARTERIAL TORTUOSITY AND SKELETAL MANIFESTATIONS. Identifiers: MedGen C3553762, MONDO:0013897, OMIM 614816.

Submission:

Labcorp Genetics (formerly Invitae), Labcorp
Classification: Uncertain significance for Loeys-Dietz syndrome 4. Last evaluated: 2024-06-04. Review status: criteria provided, single submitter. Criteria: Invitae Variant Classification Sherloc (09022015). Collection method: clinical testing. Allele origin: germline.
Comment: This sequence change replaces serine, which is neutral and polar, with asparagine, which is neutral and polar, at codon 365 of the TGFB2 protein (p.Ser365Asn). This variant is not present in population databases (gnomAD no frequency). This variant has not been reported in the literature in individuals affected with TGFB2-related conditions. Advanced modeling of protein sequence and biophysical properties (such as structural, functional, and spatial information, amino acid conservation, physicochemical variation, residue mobility, and thermodynamic stability) performed at Invitae indicates that this missense variant is not expected to disrupt TGFB2 protein function with a negative predictive value of 80%. In summary, the available evidence is currently insufficient to determine the role of this variant in disease. Therefore, it has been classified as a Variant of Uncertain Significance.

NM_003238.6(TGFB2):c.1094G>A (p.Ser365Asn)

Gene: TGFB2 (transforming growth factor beta 2; plus strand). Cytogenetic location: 1q41.
Variant type: single nucleotide variant.
Coding change: c.1094G>A on transcript NM_003238.6 (MANE Select); coding-DNA position 1094, G replaced by A.
Protein change: p.Ser365Asn; replaces serine 365 with asparagine.
Molecular consequence: missense variant. On other transcripts: non-coding transcript variant (2).
Genome position (GRCh38, 1-based): chr1:218,441,211, G>A. VCF-style: chr1-218441211-G-A. GRCh37 (hg19) VCF-style: chr1-218614553-G-A.
Other names: c.1178G>A, p.Ser393Asn (NM_001135599.4); short protein forms S365N, S393N.
Identifiers: ClinVar variation 3655514 (VCV003655514.2).